The following is an entry in ClinVar:

NM_147127.5(EVC2):c.3487_3488dup (p.Glu1164fs)

Gene: EVC2 (EvC ciliary complex subunit 2; minus strand). Cytogenetic location: 4p16.2.
Variant type: Duplication.
Coding change: c.3487_3488dup on transcript NM_147127.5 (MANE Select); coding-DNA positions 3487 to 3488, 2 bases duplicated (AC; older notation c.3487_3488dupAC).
Protein change: p.Glu1164fs; shifts the reading frame from glutamic acid 1164.
Molecular consequence: frameshift variant.
Genome position (GRCh38, 1-based): chr4:5,568,513-5,568,514, GT duplicated on the plus strand (AC on the coding strand, the reverse complement: EVC2 is on the minus strand); duplicating any 2 consecutive bases within chr4:5,568,513-5,568,515 gives the same sequence; the c. name uses the placement nearest the transcript's 3' end. VCF-style (leftmost placement, unchanged base first): chr4-5568512-G-GGT. GRCh37 (hg19) VCF-style: chr4-5570239-G-GGT.
Other names: c.3247_3248dup, p.Glu1084fs (NM_001166136.2); short protein forms E1084fs, E1164fs.
Identifiers: ClinVar variation 1389385 (VCV001389385.7), dbSNP rs2108770774, ClinGen allele CA2573138242.

ClinVar aggregate classification (germline): Pathogenic (1 of 4 stars; one submission).

Conditions:
Curry-Hall syndrome (WAD). Also called: WEYERS ACRODENTAL DYSOSTOSIS. Identifiers: Orphanet 952, MedGen C0457013, MONDO:0008673, OMIM 193530.
Ellis-van Creveld syndrome (EVC). Also called: EVC-Related Ellis-van Creveld Syndrome; EVC2-Related Ellis-van Creveld Syndrome; Chondroectodermal dysplasia; MESOECTODERMAL DYSPLASIA. Identifiers: Orphanet 289, MedGen C0013903, MONDO:0009162, OMIM 225500.

Submission:

Labcorp Genetics (formerly Invitae), Labcorp
Classification: Pathogenic for Curry-Hall syndrome; Ellis-van Creveld syndrome. Last evaluated: 2021-09-07. Review status: criteria provided, single submitter. Criteria: Invitae Variant Classification Sherloc (09022015). Collection method: clinical testing. Allele origin: germline.
Comment: This sequence change creates a premature translational stop signal (p.Glu1164Profs*33) in the EVC2 gene. It is expected to result in an absent or disrupted protein product. Loss-of-function variants in EVC2 are known to be pathogenic (PMID: 17024374, 19810119, 19876929). This variant is not present in population databases (ExAC no frequency). This variant has not been reported in the literature in individuals affected with EVC2-related conditions. For these reasons, this variant has been classified as Pathogenic.

Literature cited by the submitters: PubMed 17024374; PubMed 19810119; PubMed 19876929.